The following is an entry in ClinVar:

NM_004304.5(ALK):c.925del (p.Ala309fs)

Gene: ALK (ALK receptor tyrosine kinase; minus strand). Cytogenetic location: 2p23.2.
Variant type: Deletion.
Coding change: c.925del on transcript NM_004304.5 (MANE Select); coding-DNA position 925, one base deleted (G; older notation c.925delG).
Protein change: p.Ala309fs; shifts the reading frame from alanine 309.
Molecular consequence: frameshift variant.
Genome position (GRCh38, 1-based): chr2:29,694,877, C deleted on the plus strand (G on the coding strand, the reverse complement: ALK is on the minus strand); the first of 4 consecutive C bases (chr2:29,694,877-29,694,880); deleting any one gives the same sequence. VCF-style (leftmost placement, unchanged base first): chr2-29694876-GC-G. GRCh37 (hg19) VCF-style: chr2-29917742-GC-G.
Other names: short protein forms A309fs.
Identifiers: ClinVar variation 1010541 (VCV001010541.6), dbSNP rs1573561737, ClinGen allele CA1241314046.

ClinVar aggregate classification (germline): Uncertain significance (1 of 4 stars; one submission).

Conditions:
Neuroblastoma, susceptibility to, 3. Also called: ALK-Related Neuroblastic Tumor Susceptibility. Identifiers: Orphanet 635, MedGen C2751681, MONDO:0013083, OMIM 613014.

Submission:

Labcorp Genetics (formerly Invitae), Labcorp
Classification: Uncertain significance for Neuroblastoma, susceptibility to, 3. Last evaluated: 2022-05-18. Review status: criteria provided, single submitter. Criteria: Invitae Variant Classification Sherloc (09022015). Collection method: clinical testing. Allele origin: germline.
Comment: This sequence change creates a premature translational stop signal (p.Ala309Glnfs*26) in the ALK gene. It is expected to result in an absent or disrupted protein product. However, the current clinical and genetic evidence is not sufficient to establish whether loss-of-function variants in ALK cause disease. This variant is not present in population databases (gnomAD no frequency). This variant has not been reported in the literature in individuals affected with ALK-related conditions. ClinVar contains an entry for this variant (Variation ID: 1010541). In summary, the available evidence is currently insufficient to determine the role of this variant in disease. Therefore, it has been classified as a Variant of Uncertain Significance.